The following is an entry in ClinVar:

NM_004329.3(BMPR1A):c.197A>G (p.His66Arg)

Gene: BMPR1A (bone morphogenetic protein receptor type 1A; plus strand). Cytogenetic location: 10q23.2.
Variant type: single nucleotide variant.
Coding change: c.197A>G on transcript NM_004329.3 (MANE Select); coding-DNA position 197, A replaced by G.
Protein change: p.His66Arg; replaces histidine 66 with arginine.
Molecular consequence: missense variant.
Genome position (GRCh38, 1-based): chr10:86,890,191, A>G. VCF-style: chr10-86890191-A-G. GRCh37 (hg19) VCF-style: chr10-88649948-A-G.
Other names: short protein forms H66R.
Identifiers: ClinVar variation 923151 (VCV000923151.13), dbSNP rs1843127850, ClinGen allele CA377447073.

ClinVar aggregate classification (germline): Uncertain significance. Review status: criteria provided, multiple submitters, no conflicts (2 of 4 stars). 2 submissions from 2 submitters: Uncertain significance (2). Last evaluated 2023-12-05.

Conditions:
Juvenile polyposis syndrome (JPS). Identifiers: Orphanet 2929, MedGen C0345893, MONDO:0017380, OMIM 174900.
Hereditary cancer-predisposing syndrome. Also called: Hereditary Cancer Syndrome; Hereditary neoplastic syndrome; Neoplastic Syndromes, Hereditary; Tumor predisposition. Identifiers: Orphanet 140162, MedGen C0027672, MeSH D009386, MONDO:0015356.

Submissions (2):

Color Diagnostics, LLC DBA Color Health
Classification: Uncertain significance for Hereditary cancer-predisposing syndrome. Last evaluated: 2023-12-05. Review status: criteria provided, single submitter. Criteria: ACMG Guidelines, 2015. Collection method: clinical testing. Allele origin: germline.
Comment: This missense variant replaces histidine with arginine at codon 66 of the BMPR1A protein. Computational prediction tools and conservation analyses suggest that this variant may have deleterious impact on the protein function. Computational splicing tools suggest that this variant may not impact RNA splicing. To our knowledge, functional assays have not been performed for this variant nor has this variant been reported in individuals affected with hereditary cancer in the literature. This variant has not been identified in the general population by the Genome Aggregation Database (gnomAD). Available evidence is insufficient to determine the role of this variant in disease conclusively. Therefore, this variant is classified as a Variant of Uncertain Significance.

Labcorp Genetics (formerly Invitae), Labcorp
Classification: Uncertain significance for Juvenile polyposis syndrome. Last evaluated: 2021-04-10. Review status: criteria provided, single submitter. Criteria: Invitae Variant Classification Sherloc (09022015). Collection method: clinical testing. Allele origin: germline.
Comment: This variant has not been reported in the literature in individuals with BMPR1A-related conditions. ClinVar contains an entry for this variant (Variation ID: 923151). In summary, the available evidence is currently insufficient to determine the role of this variant in disease. Therefore, it has been classified as a Variant of Uncertain Significance. Algorithms developed to predict the effect of missense changes on protein structure and function are either unavailable or do not agree on the potential impact of this missense change (SIFT: "Tolerated"; PolyPhen-2: "Possibly Damaging"; Align-GVGD: "Class C0"). This variant is not present in population databases (ExAC no frequency). This sequence change replaces histidine with arginine at codon 66 of the BMPR1A protein (p.His66Arg). The histidine residue is moderately conserved and there is a small physicochemical difference between histidine and arginine.